The following is an entry in ClinVar:

NM_001080517.3(SETD5):c.3461C>G (p.Ser1154Cys)

Gene: SETD5 (SET domain containing 5; plus strand). Cytogenetic location: 3p25.3.
Variant type: single nucleotide variant.
Coding change: c.3461C>G on transcript NM_001080517.3 (MANE Select); coding-DNA position 3461, C replaced by G.
Protein change: p.Ser1154Cys; replaces serine 1154 with cysteine.
Molecular consequence: missense variant.
Genome position (GRCh38, 1-based): chr3:9,473,501, C>G. VCF-style: chr3-9473501-C-G. GRCh37 (hg19) VCF-style: chr3-9515185-C-G.
Other names: c.3167C>G, p.Ser1056Cys (NM_001292043.2, NM_001349451.2); short protein forms S1056C, S1154C.
Identifiers: ClinVar variation 2574469 (VCV002574469.1), dbSNP rs1158997309, ClinGen allele CA351686620.

ClinVar aggregate classification (germline): Uncertain significance (1 of 4 stars; one submission).

Allele frequency attached by ClinVar (database versions not stated): TOPMed 0.00002.

Submission:

GeneDx
Classification: Uncertain significance. Last evaluated: 2023-01-27. Review status: criteria provided, single submitter. Criteria: GeneDx Variant Classification Process June 2021. Collection method: clinical testing. Allele origin: germline. Affected: yes.
Comment: Not observed at significant frequency in large population cohorts (gnomAD); In silico analysis supports that this missense variant does not alter protein structure/function; Has not been previously published as pathogenic or benign to our knowledge